The following is an entry in ClinVar:

ClinVar aggregate classification (germline): Uncertain significance (1 of 4 stars; one submission).

Submission:

Ambry Genetics
Classification: Uncertain significance. Last evaluated: 2023-07-15. Review status: criteria provided, single submitter. Criteria: Ambry Variant Classification Scheme 2023. Collection method: clinical testing. Allele origin: germline.
Comment: The p.E333K variant (also known as c.997G>A), located in coding exon 2 of the PALLD gene, results from a G to A substitution at nucleotide position 997. The glutamic acid at codon 333 is replaced by lysine, an amino acid with similar properties. This amino acid position is conserved. In addition, the in silico prediction for this alteration is inconclusive. Since supporting evidence is limited at this time, the clinical significance of this alteration remains unclear.

NM_001166108.2(PALLD):c.997G>A (p.Glu333Lys)

Gene: PALLD (palladin, cytoskeletal associated protein; plus strand). Cytogenetic location: 4q32.3.
Variant type: single nucleotide variant.
Coding change: c.997G>A on transcript NM_001166108.2 (MANE Select); coding-DNA position 997, G replaced by A.
Protein change: p.Glu333Lys; replaces glutamic acid 333 with lysine.
Molecular consequence: missense variant. On other transcripts: 5 prime UTR variant (1).
Genome position (GRCh38, 1-based): chr4:168,668,278, G>A. VCF-style: chr4-168668278-G-A. GRCh37 (hg19) VCF-style: chr4-169589429-G-A.
Other names: c.-150G>A (NM_001166109.2); c.997G>A, p.Glu333Lys (NM_016081.4); short protein forms E333K.
Identifiers: ClinVar variation 2625559 (VCV002625559.2), dbSNP rs2531425158, ClinGen allele CA358793767.
Genomic context (GRCh38, chr4:168,668,278, plus strand): 5'-AACACTCCTGATATTCAAATCCACTGTGAGGGAGGGGACCTCCATACCCTGATCATAGCA[G>A]AGGCCTTTGAGGACGACACAGGTCGCTACACCTGTTTGGCTACGAATCCCAGCGGCTCAG-3'
Protein context (NP_001159580.1, residues 323-343): GGDLHTLIIA[Glu333Lys]AFEDDTGRYT